The following is an entry in ClinVar:

ClinVar aggregate classification (germline): Likely benign. Review status: criteria provided, multiple submitters, no conflicts (2 of 4 stars). 3 submissions from 3 submitters: Likely benign (3). Last evaluated 2025-03-24.

Conditions:
PLCB1-related disorder. Also called: PLCB1-related condition.
Developmental and epileptic encephalopathy, 12 (DEE12). Identifiers: MedGen C3150988, MONDO:0013389, OMIM 613722.

Allele frequency attached by ClinVar (database versions not stated): TOPMed 0.00001; gnomAD exomes 0.00002 and 0.00003; ExAC 0.00003.
gnomAD v4.1: 10 of 1,614,048 alleles (0.00062%); highest among the groups gnomAD compares: Admixed American, 0.013%; no homozygotes.

Submissions (3):

Mayo Clinic Laboratories, Mayo Clinic
Classification: Likely benign. Last evaluated: 2025-03-24. Review status: criteria provided, single submitter. Criteria: ACMG Guidelines, 2015. Collection method: clinical testing. Allele origin: germline. Observed: 1 variant allele.
Comment: BP4, BP7

PreventionGenetics, part of Exact Sciences
Classification: Likely benign for PLCB1-related condition. Last evaluated: 2025-03-08. Review status: criteria provided, single submitter. Criteria: ACMG Guidelines, 2015. Collection method: clinical testing. Allele origin: germline.
Comment: This variant is classified as likely benign based on ACMG/AMP sequence variant interpretation guidelines (Richards et al. 2015 PMID: 25741868, with internal and published modifications).

Labcorp Genetics (formerly Invitae), Labcorp
Classification: Likely benign for Developmental and epileptic encephalopathy, 12. Last evaluated: 2024-12-30. Review status: criteria provided, single submitter. Criteria: Invitae Variant Classification Sherloc (09022015). Collection method: clinical testing. Allele origin: germline.

NM_015192.4(PLCB1):c.345C>T (p.Ser115=)

Gene: PLCB1 (phospholipase C beta 1; plus strand). Cytogenetic location: 20p12.3.
Variant type: single nucleotide variant.
Coding change: c.345C>T on transcript NM_015192.4 (MANE Select); coding-DNA position 345, C replaced by T.
Protein change: p.Ser115=; no amino-acid change (serine 115 retained).
Molecular consequence: synonymous variant.
Genome position (GRCh38, 1-based): chr20:8,628,392, C>T. VCF-style: chr20-8628392-C-T. GRCh37 (hg19) VCF-style: chr20-8609039-C-T.
Other names: p.Ser115=; c.345C>T, p.Ser115= (NM_182734.3).
Identifiers: ClinVar variation 478583 (VCV000478583.13), dbSNP rs756143193, ClinGen allele CA9759655.